The following is an entry in ClinVar:

NC_000014.8:g.(?_102873655)_(105861009_?)del

Genes: ADSS1 (adenylosuccinate synthase 1; plus strand), AHNAK2 (AHNAK nucleoprotein 2; minus strand), AKT1 (AKT serine/threonine kinase 1; minus strand), AMN (amnion associated transmembrane protein; plus strand), ANKRD9 (ankyrin repeat domain 9; minus strand) and 37 more. Cytogenetic location: 14q32.31-32.33.
Variant type: Deletion.
Identifiers: ClinVar variation 3244027 (VCV003244027.1).

ClinVar aggregate classification (germline): Uncertain significance (1 of 4 stars; one submission).

Conditions:
Immunodeficiency 132A. Also called: Herpes simplex encephalitis, susceptibility to, 3. Identifiers: Orphanet 1930, MedGen C3553868, MONDO:0013920, OMIM 614849.

Submission:

Labcorp Genetics (formerly Invitae), Labcorp
Classification: Uncertain significance for Immunodeficiency 132A. Last evaluated: 2023-02-03. Review status: criteria provided, single submitter. Criteria: Invitae Variant Classification Sherloc (09022015). Collection method: clinical testing. Allele origin: unknown.
Comment: A gross deletion of the genomic region encompassing the full coding sequence of the TRAF3 gene has been identified. The current clinical and genetic evidence is not sufficient to establish whether loss-of-function variants in TRAF3 cause disease. The boundaries of this event are unknown as they extend beyond the assayed region for this gene and therefore may encompass additional genes. This variant has not been reported in the literature in individuals affected with TRAF3-related conditions. In summary, the available evidence is currently insufficient to determine the role of this variant in disease. Therefore, it has been classified as a Variant of Uncertain Significance.